The following is an entry in ClinVar:

NM_030962.4(SBF2):c.4076C>T (p.Ala1359Val)

Gene: SBF2 (SET binding factor 2; minus strand). Cytogenetic location: 11p15.4.
Variant type: single nucleotide variant.
Coding change: c.4076C>T on transcript NM_030962.4 (MANE Select); coding-DNA position 4076, C replaced by T.
Protein change: p.Ala1359Val; replaces alanine 1359 with valine.
Molecular consequence: missense variant.
Genome position (GRCh38, 1-based): chr11:9,812,611, G>A on the plus strand (C>T on the coding strand, the complement: SBF2 is on the minus strand). VCF-style: chr11-9812611-G-A. GRCh37 (hg19) VCF-style: chr11-9834158-G-A.
Other names: c.4172C>T, p.Ala1391Val (NM_001386339.1); c.3947C>T, p.Ala1316Val (NM_001386342.1); short protein forms A1359V, A1316V, A1391V.
Identifiers: ClinVar variation 212116 (VCV000212116.11), dbSNP rs368839717, ClinGen allele CA205688.

ClinVar aggregate classification (germline): Uncertain significance. Review status: criteria provided, multiple submitters, no conflicts (2 of 4 stars). 2 submissions from 2 submitters: Uncertain significance (2). Last evaluated 2025-09-08.

Conditions:
Charcot-Marie-Tooth disease type 4. Also called: Charcot-Marie-Tooth disease, type IV; Charcot-Marie-Tooth, Type 4. Identifiers: Orphanet 64749, MedGen C4082197, MONDO:0018995.

Allele frequency attached by ClinVar (database versions not stated): gnomAD exomes 0.00001 and 0.00002; ExAC 0.00003; TOPMed 0.00006; ESP Exome Variant Server 0.00008; gnomAD 0.00008 and 0.00009.
gnomAD v4.1: 16 of 1,614,058 alleles (0.00099%); highest among the groups gnomAD compares: African/African-American, 0.02%; no homozygotes.

Submissions (2):

Labcorp Genetics (formerly Invitae), Labcorp
Classification: Uncertain significance for Charcot-Marie-Tooth disease type 4. Last evaluated: 2025-09-08. Review status: criteria provided, single submitter. Criteria: Invitae Variant Classification Sherloc (09022015). Collection method: clinical testing. Allele origin: germline.
Comment: This sequence change replaces alanine, which is neutral and non-polar, with valine, which is neutral and non-polar, at codon 1359 of the SBF2 protein (p.Ala1359Val). This variant is present in population databases (rs368839717, gnomAD 0.03%). This variant has not been reported in the literature in individuals affected with SBF2-related conditions. ClinVar contains an entry for this variant (Variation ID: 212116). Invitae Evidence Modeling of protein sequence and biophysical properties (such as structural, functional, and spatial information, amino acid conservation, physicochemical variation, residue mobility, and thermodynamic stability) indicates that this missense variant is not expected to disrupt SBF2 protein function with a negative predictive value of 80%. In summary, the available evidence is currently insufficient to determine the role of this variant in disease. Therefore, it has been classified as a Variant of Uncertain Significance.

Genetic Services Laboratory, University of Chicago
Classification: Uncertain significance. Last evaluated: 2015-06-29. Review status: criteria provided, single submitter. Criteria: ACMG Guidelines, 2015. Collection method: clinical testing. Allele origin: germline.